The following is an entry in ClinVar:

ClinVar aggregate classification (germline): Uncertain significance (1 of 4 stars; one submission).

Allele frequency attached by ClinVar (database versions not stated): ExAC 0.00001; TOPMed 0.00001.
gnomAD v4.1: 12 of 1,614,002 alleles (0.00074%); highest among the groups gnomAD compares: Admixed American, 0.02%; no homozygotes.

Submission:

Labcorp Genetics (formerly Invitae), Labcorp
Classification: Uncertain significance. Last evaluated: 2023-11-21. Review status: criteria provided, single submitter. Criteria: Invitae Variant Classification Sherloc (09022015). Collection method: clinical testing. Allele origin: germline.
Comment: This sequence change falls in intron 60 of the USH2A gene. It does not directly change the encoded amino acid sequence of the USH2A protein. It affects a nucleotide within the consensus splice site. This variant is present in population databases (rs776220540, gnomAD 0.03%). This variant has not been reported in the literature in individuals affected with USH2A-related conditions. ClinVar contains an entry for this variant (Variation ID: 2147183). Variants that disrupt the consensus splice site are a relatively common cause of aberrant splicing (PMID: 17576681, 9536098). Algorithms developed to predict the effect of sequence changes on RNA splicing suggest that this variant is not likely to affect RNA splicing. In summary, the available evidence is currently insufficient to determine the role of this variant in disease. Therefore, it has been classified as a Variant of Uncertain Significance.

Literature cited by the submitters: PubMed 17576681; PubMed 9536098.

NM_206933.4(USH2A):c.11711+6A>T

Gene: USH2A (usherin; minus strand). Cytogenetic location: 1q41.
Variant type: single nucleotide variant.
Coding change: c.11711+6A>T on transcript NM_206933.4 (MANE Select); 6 bases into the intron after coding-DNA position 11711, A replaced by T.
Molecular consequence: intron variant.
Genome position (GRCh38, 1-based): chr1:215,741,369, T>A on the plus strand (A>T on the coding strand, the complement: USH2A is on the minus strand). VCF-style: chr1-215741369-T-A. GRCh37 (hg19) VCF-style: chr1-215914711-T-A.
Identifiers: ClinVar variation 2147183 (VCV002147183.2), dbSNP rs776220540, ClinGen allele CA1393647.
Genomic context (GRCh38, chr1:215,741,369, plus strand): 5'-ATTCTGCTGTGTTGGAGCAGTACGCATTCTTAAATAACTAAAAATAATAGTAACAGCCAA[T>A]CTTACCTGTAAATAAAGTAGTTGATGATGATTCCATTTGGTTTTTCAGGTGGCATCCACT-3'